The following is an entry in ClinVar:

NM_000548.5(TSC2):c.3856C>T (p.Gln1286Ter)

Gene: TSC2 (TSC complex subunit 2; plus strand). Cytogenetic location: 16p13.3.
Variant type: single nucleotide variant.
Coding change: c.3856C>T on transcript NM_000548.5 (MANE Select); coding-DNA position 3856, C replaced by T.
Protein change: p.Gln1286Ter; replaces glutamine 1286 with a stop codon.
Molecular consequence: nonsense. On other transcripts: intron variant (6).
Genome position (GRCh38, 1-based): chr16:2,082,477, C>T. VCF-style: chr16-2082477-C-T. GRCh37 (hg19) VCF-style: chr16-2132478-C-T.
Other names: c.3124C>T, p.Gln1042Ter (NM_001318831.2); c.3724C>T, p.Gln1242Ter (NM_001370404.1); c.3727C>T, p.Gln1243Ter (NM_001370405.1, NM_021055.3); c.3814+679C>T (NM_001114382.3); c.3685+679C>T (NM_001363528.2); c.3682+679C>T (NM_001077183.3); c.3574+679C>T (NM_001318827.2); c.3538+679C>T (NM_001318829.2); and 2 more; short protein forms Q1042*, Q1242*, Q1243*, Q1286*.
Identifiers: ClinVar variation 1062612 (VCV001062612.12), dbSNP rs2151493215, ClinGen allele CA394295039.
Genomic context (GRCh38, chr16:2,082,477, plus strand): 5'-ACACGGCCTTCCCTTGCAGTGGCCTCTTTCTCCTCCCTGTACCAGTCCAGCTGCCAAGGA[C>T]AGCTGCACAGGAGCGTTTCCTGGGCAGGTATCGCCTCTCAGAGGGAAGCGGTTGGCTGCA-3'

ClinVar aggregate classification (germline): Conflicting classifications of pathogenicity. Review status: criteria provided, conflicting classifications (1 of 4 stars). 3 submissions from 3 submitters: Uncertain significance (2); Likely benign (1). Last evaluated 2025-08-18.

Conditions:
Tuberous sclerosis 2 (TSC2). Identifiers: Orphanet 805, MedGen C1860707, MONDO:0013199, OMIM 613254.
Hereditary cancer-predisposing syndrome. Also called: Tumor predisposition; Neoplastic Syndromes, Hereditary; Hereditary Cancer Syndrome; Hereditary neoplastic syndrome. Identifiers: Orphanet 140162, MedGen C0027672, MeSH D009386, MONDO:0015356.

gnomAD v4.1: 1 of 1,612,370 alleles (0.000062%); highest among the groups gnomAD compares: Non-Finnish European, 0.000085%; no homozygotes.

Submissions (3):

Labcorp Genetics (formerly Invitae), Labcorp
Classification: Likely benign for Tuberous sclerosis 2. Last evaluated: 2025-08-18. Review status: criteria provided, single submitter. Criteria: Invitae Variant Classification Sherloc (09022015). Collection method: clinical testing. Allele origin: germline.

Quest Diagnostics Nichols Institute San Juan Capistrano
Classification: Uncertain significance. Last evaluated: 2023-09-26. Review status: criteria provided, single submitter. Criteria: Quest Diagnostics criteria. Collection method: clinical testing. Allele origin: unknown.

Ambry Genetics
Classification: Uncertain significance for Hereditary cancer-predisposing syndrome. Last evaluated: 2023-06-16. Review status: criteria provided, single submitter. Criteria: Ambry Variant Classification Scheme 2023. Collection method: clinical testing. Allele origin: germline.
Comment: The p.Q1286* variant (also known as c.3856C>T), located in coding exon 31 of the TSC2 gene, results from a C to T substitution at nucleotide position 3856. This changes the amino acid from a glutamine to a stop codon within coding exon 31. Nonsense alterations are expected to result in loss of function by premature protein truncation or nonsense-mediated mRNA decay; however, this variant occurs in an exon that is excluded in biologically relevant transcripts (Ekong R et al. Hum. Mutat. 2016 Apr;37:364-70). Since supporting evidence is limited at this time, the clinical significance of this alteration remains unclear.

Literature cited by the submitters: PubMed 31867841 (cited by Quest Diagnostics Nichols Institute San Juan Capistrano); PubMed 26703369 (cited by Quest Diagnostics Nichols Institute San Juan Capistrano).